The following is an entry in ClinVar:

NM_032119.4(ADGRV1):c.3022+4G>A

Gene: ADGRV1 (adhesion G protein-coupled receptor V1; plus strand). Cytogenetic location: 5q14.3.
Variant type: single nucleotide variant.
Coding change: c.3022+4G>A on transcript NM_032119.4 (MANE Select); 4 bases into the intron after coding-DNA position 3022, G replaced by A.
Molecular consequence: intron variant.
Genome position (GRCh38, 1-based): chr5:90,646,095, G>A. VCF-style: chr5-90646095-G-A. GRCh37 (hg19) VCF-style: chr5-89941912-G-A.
Identifiers: ClinVar variation 1021776 (VCV001021776.7), dbSNP rs763404095, ClinGen allele CA3339082.
Genomic context (GRCh38, chr5:90,646,095, plus strand): 5'-ATAGAACAACTGCAACTCTGAGGATTAGAAGAAATGATGACCCCATTTATTTTGCAGGTG[G>A]TATTGCTGTCTTATTTGAATGAGTTTACATATTTCTTAAATAGTATATATAAATGTATAT-3'

ClinVar aggregate classification (germline): Conflicting classifications of pathogenicity. Review status: criteria provided, conflicting classifications (1 of 4 stars). 2 submissions from 2 submitters: Uncertain significance (1); Likely benign (1). Last evaluated 2025-04-28.

Allele frequency attached by ClinVar (database versions not stated): ExAC below 0.00001; gnomAD exomes 0.00001; TOPMed 0.00001; gnomAD 0.00002 and 0.00003.
gnomAD v4.1: 10 of 1,545,402 alleles (0.00065%); highest among the groups gnomAD compares: African/African-American, 0.0027%; no homozygotes.

Submissions (2):

Labcorp Genetics (formerly Invitae), Labcorp
Classification: Uncertain significance. Last evaluated: 2025-04-28. Review status: criteria provided, single submitter. Criteria: Invitae Variant Classification Sherloc (09022015). Collection method: clinical testing. Allele origin: germline.
Comment: This sequence change falls in intron 16 of the ADGRV1 gene. It does not directly change the encoded amino acid sequence of the ADGRV1 protein. It affects a nucleotide within the consensus splice site. This variant is present in population databases (rs763404095, gnomAD 0.002%). This variant has not been reported in the literature in individuals affected with ADGRV1-related conditions. ClinVar contains an entry for this variant (Variation ID: 1021776). Variants that disrupt the consensus splice site are a relatively common cause of aberrant splicing (PMID: 17576681, 9536098). Algorithms developed to predict the effect of sequence changes on RNA splicing suggest that this variant is not likely to affect RNA splicing. In summary, the available evidence is currently insufficient to determine the role of this variant in disease. Therefore, it has been classified as a Variant of Uncertain Significance.

Blueprint Genetics
Classification: Likely benign. Last evaluated: 2024-10-01. Review status: criteria provided, single submitter. Criteria: ACMG Guidelines, 2015. Collection method: clinical testing. Allele origin: germline.

Literature cited by the submitters: PubMed 17576681 (cited by Labcorp Genetics (formerly Invitae), Labcorp); PubMed 9536098 (cited by Labcorp Genetics (formerly Invitae), Labcorp).